The following is an entry in ClinVar:

NM_003924.4(PHOX2B):c.380C>G (p.Thr127Ser)

Gene: PHOX2B (paired like homeobox 2B; minus strand). Cytogenetic location: 4p13.
Variant type: single nucleotide variant.
Coding change: c.380C>G on transcript NM_003924.4 (MANE Select); coding-DNA position 380, C replaced by G.
Protein change: p.Thr127Ser; replaces threonine 127 with serine.
Molecular consequence: missense variant.
Genome position (GRCh38, 1-based): chr4:41,747,398, G>C on the plus strand (C>G on the coding strand, the complement: PHOX2B is on the minus strand). VCF-style: chr4-41747398-G-C. GRCh37 (hg19) VCF-style: chr4-41749415-G-C.
Other names: short protein forms T127S.
Identifiers: ClinVar variation 1735128 (VCV001735128.3), dbSNP rs2153112934, ClinGen allele CA356739956.

ClinVar aggregate classification (germline): Uncertain significance (1 of 4 stars; one submission).

Conditions:
Hereditary cancer-predisposing syndrome. Also called: Neoplastic Syndromes, Hereditary; Tumor predisposition; Hereditary Cancer Syndrome; Hereditary neoplastic syndrome. Identifiers: Orphanet 140162, MedGen C0027672, MeSH D009386, MONDO:0015356.

Submission:

Ambry Genetics
Classification: Uncertain significance for Hereditary cancer-predisposing syndrome. Last evaluated: 2025-06-09. Review status: criteria provided, single submitter. Criteria: Ambry Variant Classification Scheme 2023. Collection method: clinical testing. Allele origin: germline.
Comment: The p.T127S variant (also known as c.380C>G), located in coding exon 2 of the PHOX2B gene, results from a C to G substitution at nucleotide position 380. The threonine at codon 127 is replaced by serine, an amino acid with similar properties. This amino acid position is highly conserved in available vertebrate species. In addition, the in silico prediction for this alteration is inconclusive. Based on the available evidence, the clinical significance of this variant remains unclear.